The following is an entry in ClinVar:

NM_002691.4(POLD1):c.1379T>A (p.Leu460Gln)

Gene: POLD1 (DNA polymerase delta 1, catalytic subunit; plus strand). Cytogenetic location: 19q13.33.
Variant type: single nucleotide variant.
Coding change: c.1379T>A on transcript NM_002691.4 (MANE Select); coding-DNA position 1379, T replaced by A.
Protein change: p.Leu460Gln; replaces leucine 460 with glutamine.
Molecular consequence: missense variant. On other transcripts: non-coding transcript variant (1).
Genome position (GRCh38, 1-based): chr19:50,406,318, T>A. VCF-style: chr19-50406318-T-A. GRCh37 (hg19) VCF-style: chr19-50909575-T-A.
Other names: c.1379T>A, p.Leu460Gln (NM_001256849.1, NM_001308632.1); short protein forms L460Q.
Identifiers: ClinVar variation 1716421 (VCV001716421.5), dbSNP rs1555791146, ClinGen allele CA406979989.

ClinVar aggregate classification (germline): Uncertain significance (1 of 4 stars; one submission).

Conditions:
POLD1-related polyposis and colorectal cancer syndrome (CRCS10). Also called: COLORECTAL CANCER, SUSCEPTIBILITY TO, ON CHROMOSOME 19q; Colorectal cancer 10; Colorectal cancer, susceptibility to, 10. Identifiers: Orphanet 220460, MedGen C2675481, MONDO:0012953, OMIM 612591.

Submission:

Labcorp Genetics (formerly Invitae), Labcorp
Classification: Uncertain significance for POLD1-related polyposis and colorectal cancer syndrome. Last evaluated: 2022-08-14. Review status: criteria provided, single submitter. Criteria: Invitae Variant Classification Sherloc (09022015). Collection method: clinical testing. Allele origin: germline.
Comment: In summary, the available evidence is currently insufficient to determine the role of this variant in disease. Therefore, it has been classified as a Variant of Uncertain Significance. Algorithms developed to predict the effect of missense changes on protein structure and function are either unavailable or do not agree on the potential impact of this missense change (SIFT: "Deleterious"; PolyPhen-2: "Probably Damaging"; Align-GVGD: "Class C0"). This variant has not been reported in the literature in individuals affected with POLD1-related conditions. This variant is not present in population databases (gnomAD no frequency). This sequence change replaces leucine, which is neutral and non-polar, with glutamine, which is neutral and polar, at codon 460 of the POLD1 protein (p.Leu460Gln).